The following is an entry in ClinVar:

ClinVar aggregate classification (germline): Uncertain significance. Review status: criteria provided, multiple submitters, no conflicts (2 of 4 stars). 2 submissions from 2 submitters: Uncertain significance (2). Last evaluated 2024-12-16.

Conditions:
Neurodegeneration with brain iron accumulation 6 (NBIA6). Also called: COASY protein-associated neurodegeneration. Identifiers: Orphanet 397725, MedGen C4517377, MONDO:0014290, OMIM 615643.

Allele frequency attached by ClinVar (database versions not stated): gnomAD 0.00001; gnomAD exomes 0.00001; TOPMed 0.00001.
gnomAD v4.1: 18 of 1,613,980 alleles (0.0011%); highest among the groups gnomAD compares: Non-Finnish European, 0.0014%; no homozygotes.

Submissions (2):

Labcorp Genetics (formerly Invitae), Labcorp
Classification: Uncertain significance for Neurodegeneration with brain iron accumulation 6. Last evaluated: 2024-12-16. Review status: criteria provided, single submitter. Criteria: Invitae Variant Classification Sherloc (09022015). Collection method: clinical testing. Allele origin: germline.
Comment: This sequence change replaces glutamic acid, which is acidic and polar, with aspartic acid, which is acidic and polar, at codon 308 of the COASY protein (p.Glu308Asp). This variant is present in population databases (no rsID available, gnomAD 0.007%). This variant has not been reported in the literature in individuals affected with COASY-related conditions. ClinVar contains an entry for this variant (Variation ID: 1443326). Invitae Evidence Modeling of protein sequence and biophysical properties (such as structural, functional, and spatial information, amino acid conservation, physicochemical variation, residue mobility, and thermodynamic stability) indicates that this missense variant is not expected to disrupt COASY protein function with a negative predictive value of 80%. In summary, the available evidence is currently insufficient to determine the role of this variant in disease. Therefore, it has been classified as a Variant of Uncertain Significance.

GeneDx
Classification: Uncertain significance. Last evaluated: 2024-02-13. Review status: criteria provided, single submitter. Criteria: GeneDx Variant Classification Process June 2021. Collection method: clinical testing. Allele origin: germline. Affected: yes.
Comment: Not observed at significant frequency in large population cohorts (gnomAD); In silico analysis supports that this missense variant does not alter protein structure/function; Has not been previously published as pathogenic or benign to our knowledge

NM_025233.7(COASY):c.924G>T (p.Glu308Asp)

Gene: COASY (Coenzyme A synthase; plus strand). Cytogenetic location: 17q21.2.
Variant type: single nucleotide variant.
Coding change: c.924G>T on transcript NM_025233.7 (MANE Select); coding-DNA position 924, G replaced by T.
Protein change: p.Glu308Asp; replaces glutamic acid 308 with aspartic acid.
Molecular consequence: missense variant.
Genome position (GRCh38, 1-based): chr17:42,564,454, G>T. VCF-style: chr17-42564454-G-T. GRCh37 (hg19) VCF-style: chr17-40716472-G-T.
Other names: c.924G>T (NM_025233.6); c.924G>T, p.Glu308Asp (NM_001042529.3); c.1011G>T, p.Glu337Asp (NM_001042532.4); short protein forms E308D, E337D.
Identifiers: ClinVar variation 1443326 (VCV001443326.8), dbSNP rs1350412532, ClinGen allele CA399596111.